The following is an entry in ClinVar:

ClinVar aggregate classification (germline): Uncertain significance (1 of 4 stars; one submission).

Conditions:
Inborn genetic diseases. Identifiers: MedGen C0950123, MeSH D030342.

gnomAD v4.1: 2 of 1,612,754 alleles (0.00012%); highest among the groups gnomAD compares: Non-Finnish European, 0.00017%; no homozygotes.

Submission:

Ambry Genetics
Classification: Uncertain significance for Inborn genetic diseases. Last evaluated: 2025-04-06. Review status: criteria provided, single submitter. Criteria: Ambry Variant Classification Scheme 2023. Collection method: clinical testing. Allele origin: germline.
Comment: The p.S301C variant (also known as c.902C>G), located in coding exon 7 of the BMPR2 gene, results from a C to G substitution at nucleotide position 902. The serine at codon 301 is replaced by cysteine, an amino acid with dissimilar properties. This amino acid position is conserved. In addition, the in silico prediction for this alteration is inconclusive. Based on the available evidence, the clinical significance of this variant remains unclear.

NM_001204.7(BMPR2):c.902C>G (p.Ser301Cys)

Gene: BMPR2 (bone morphogenetic protein receptor type 2; plus strand). Cytogenetic location: 2q33.2.
Variant type: single nucleotide variant.
Coding change: c.902C>G on transcript NM_001204.7 (MANE Select); coding-DNA position 902, C replaced by G.
Protein change: p.Ser301Cys; replaces serine 301 with cysteine.
Molecular consequence: missense variant.
Genome position (GRCh38, 1-based): chr2:202,520,136, C>G. VCF-style: chr2-202520136-C-G. GRCh37 (hg19) VCF-style: chr2-203384859-C-G.
Other names: short protein forms S301C.
Identifiers: ClinVar variation 3992102 (VCV003992102.1).